The following is an entry in ClinVar:

NM_000722.4(CACNA2D1):c.271A>C (p.Ser91Arg)

Gene: CACNA2D1 (calcium voltage-gated channel auxiliary subunit alpha2delta 1; minus strand). Cytogenetic location: 7q21.11.
Variant type: single nucleotide variant.
Coding change: c.271A>C on transcript NM_000722.4 (MANE Select); coding-DNA position 271, A replaced by C.
Protein change: p.Ser91Arg; replaces serine 91 with arginine.
Molecular consequence: missense variant.
Genome position (GRCh38, 1-based): chr7:82,335,158, T>G on the plus strand (A>C on the coding strand, the complement: CACNA2D1 is on the minus strand). VCF-style: chr7-82335158-T-G. GRCh37 (hg19) VCF-style: chr7-81964474-T-G.
Other names: c.271A>C, p.Ser91Arg (NM_001302890.2, NM_001366867.1); short protein forms S91R.
Identifiers: ClinVar variation 4774794 (VCV004774794.1).
Genomic context (GRCh38, chr7:82,335,158, plus strand): 5'-GAAAATAATAAAATGAGCAGATCCAATTTAAACTCACCACCAGGGCTTTAGATCTGTTGC[T>G]CAGAAGTTTCTCAATATCCCTGGCTGCAATTTCTACCAGCTGGCGTGCATTATTTGGTTC-3'
Protein context (NP_000713.2, residues 81-101): IAARDIEKLL[Ser91Arg]NRSKALVRLA

ClinVar aggregate classification (germline): Uncertain significance (1 of 4 stars; one submission).

Conditions:
Brugada syndrome. Also called: Sudden unexpected nocturnal death syndrome; Sudden Unexplained Death Syndrome; Sudden Unexplained Nocturnal Death Syndrome (SUNDS); Sudden unexplained nocturnal death syndrome. Identifiers: Orphanet 130, MedGen C1142166, MONDO:0015263.

gnomAD v4.1: 1 of 1,610,178 alleles (0.000062%); highest among the groups gnomAD compares: Non-Finnish European, 0.000085%; no homozygotes.

Submission:

Labcorp Genetics (formerly Invitae), Labcorp
Classification: Uncertain significance for Brugada syndrome. Last evaluated: 2025-12-29. Review status: criteria provided, single submitter. Criteria: Invitae Variant Classification Sherloc (09022015). Collection method: clinical testing. Allele origin: germline.
Comment: This sequence change replaces serine, which is neutral and polar, with arginine, which is basic and polar, at codon 91 of the CACNA2D1 protein (p.Ser91Arg). This variant is not present in population databases (gnomAD no frequency). This variant has not been reported in the literature in individuals affected with CACNA2D1-related conditions. An algorithm developed to predict the effect of missense changes on protein structure and function (PolyPhen-2) suggests that this variant is likely to be tolerated. In summary, the available evidence is currently insufficient to determine the role of this variant in disease. Therefore, it has been classified as a Variant of Uncertain Significance.